The following is an entry in ClinVar:

NM_006206.6(PDGFRA):c.2966T>C (p.Ile989Thr)

Gene: PDGFRA (platelet derived growth factor receptor alpha; plus strand). Cytogenetic location: 4q12.
Variant type: single nucleotide variant.
Coding change: c.2966T>C on transcript NM_006206.6 (MANE Select); coding-DNA position 2966, T replaced by C.
Protein change: p.Ile989Thr; replaces isoleucine 989 with threonine.
Molecular consequence: missense variant.
Genome position (GRCh38, 1-based): chr4:54,290,398, T>C. VCF-style: chr4-54290398-T-C. GRCh37 (hg19) VCF-style: chr4-55156565-T-C.
Other names: c.3041T>C, p.Ile1014Thr (NM_001347828.2); c.2966T>C, p.Ile989Thr (NM_001347829.2); c.3005T>C, p.Ile1002Thr (NM_001347830.2); short protein forms I989T, I1002T, I1014T.
Identifiers: ClinVar variation 135021 (VCV000135021.13), dbSNP rs587778599, ClinGen allele CA161423.

ClinVar aggregate classification (germline): Uncertain significance. Review status: criteria provided, multiple submitters, no conflicts (2 of 4 stars). 5 submissions from 5 submitters: Uncertain significance (4). 1 of the submissions does not count toward it. Last evaluated 2026-01-07.

Conditions:
Idiopathic hypereosinophilic syndrome (HES). Identifiers: Orphanet 3260, MedGen C0206141, MONDO:0011895, OMIM 607685. Disease mechanism: gain of function.
Polyps, multiple and recurrent inflammatory fibroid, gastrointestinal. Identifiers: MedGen C5193005, MONDO:0008285, OMIM 175510.
Hereditary cancer-predisposing syndrome. Also called: Tumor predisposition; Hereditary neoplastic syndrome; Hereditary Cancer Syndrome; Neoplastic Syndromes, Hereditary. Identifiers: Orphanet 140162, MedGen C0027672, MeSH D009386, MONDO:0015356.
Gastrointestinal stromal tumor. Also called: Gastrointestinal stromal tumor, somatic; Gastrointestinal stroma tumor. Identifiers: Orphanet 44890, MedGen C0238198, MeSH D046152, MONDO:0011719, OMIM 606764, HP:0100723.

Allele frequency attached by ClinVar (database versions not stated): gnomAD exomes below 0.00001; gnomAD 0.00001; TOPMed 0.00002.
gnomAD v4.1: 3 of 1,613,674 alleles (0.00019%); highest among the groups gnomAD compares: Non-Finnish European, 0.00025%; no homozygotes.

Submissions (5):

Labcorp Genetics (formerly Invitae), Labcorp
Classification: Uncertain significance for Gastrointestinal stromal tumor. Last evaluated: 2026-01-07. Review status: criteria provided, single submitter. Criteria: Invitae Variant Classification Sherloc (09022015). Collection method: clinical testing. Allele origin: germline.
Comment: This sequence change replaces isoleucine, which is neutral and non-polar, with threonine, which is neutral and polar, at codon 989 of the PDGFRA protein (p.Ile989Thr). This variant is not present in population databases (gnomAD no frequency). This variant has not been reported in the literature in individuals affected with PDGFRA-related conditions. ClinVar contains an entry for this variant (Variation ID: 135021). Invitae Evidence Modeling of protein sequence and biophysical properties (such as structural, functional, and spatial information, amino acid conservation, physicochemical variation, residue mobility, and thermodynamic stability) indicates that this missense variant is not expected to disrupt PDGFRA protein function with a negative predictive value of 80%. In summary, the available evidence is currently insufficient to determine the role of this variant in disease. Therefore, it has been classified as a Variant of Uncertain Significance.

Ambry Genetics
Classification: Uncertain significance for Hereditary cancer-predisposing syndrome. Last evaluated: 2024-12-20. Review status: criteria provided, single submitter. Criteria: Ambry Variant Classification Scheme 2023. Collection method: clinical testing. Allele origin: germline.
Comment: The p.I989T variant (also known as c.2966T>C), located in coding exon 21 of the PDGFRA gene, results from a T to C substitution at nucleotide position 2966. The isoleucine at codon 989 is replaced by threonine, an amino acid with similar properties. This amino acid position is conserved. In addition, this alteration is predicted to be tolerated by in silico analysis. Based on the available evidence, the clinical significance of this variant remains unclear.

Fulgent Genetics
Classification: Uncertain significance for Polyps, multiple and recurrent inflammatory fibroid, gastrointestinal; Idiopathic hypereosinophilic syndrome. Last evaluated: 2024-03-05. Review status: criteria provided, single submitter. Criteria: ACMG Guidelines, 2015. Collection method: clinical testing. Allele origin: germline.

Baylor Genetics
Classification: Uncertain significance for Polyps, multiple and recurrent inflammatory fibroid, gastrointestinal. Last evaluated: 2024-01-17. Review status: criteria provided, single submitter. Criteria: ACMG Guidelines, 2015. Collection method: clinical testing. Allele origin: unknown.

ITMI
No classification provided. Condition: AllHighlyPenetrant. Last evaluated: 2013-09-19. Review status: no classification provided. Collection method: reference population. Allele origin: germline. Not counted in ClinVar's aggregate classification.
Comment: Please see associated publication for description of ethnicities

Literature cited by the submitters: PubMed 24728327 (cited by ITMI).